The following is an entry in ClinVar:

NM_002677.5(PMP2):c.268G>A (p.Gly90Arg)

Gene: PMP2 (peripheral myelin protein 2; minus strand). Cytogenetic location: 8q21.13.
Variant type: single nucleotide variant.
Coding change: c.268G>A on transcript NM_002677.5 (MANE Select); coding-DNA position 268, G replaced by A.
Protein change: p.Gly90Arg; replaces glycine 90 with arginine.
Molecular consequence: missense variant.
Genome position (GRCh38, 1-based): chr8:81,444,580, C>T on the plus strand (G>A on the coding strand, the complement: PMP2 is on the minus strand). VCF-style: chr8-81444580-C-T. GRCh37 (hg19) VCF-style: chr8-82356815-C-T.
Other names: c.95G>A, p.Arg32Lys (NM_001348381.2); short protein forms R32K, G90R.
Identifiers: ClinVar variation 2049264 (VCV002049264.4), dbSNP rs1325948222, ClinGen allele CA371517478.

ClinVar aggregate classification (germline): Uncertain significance (1 of 4 stars; one submission).

Allele frequency attached by ClinVar (database versions not stated): gnomAD exomes 0.00001; gnomAD 0.00001.
gnomAD v4.1: 5 of 1,613,498 alleles (0.00031%); highest among the groups gnomAD compares: East Asian, 0.0022%; no homozygotes.

Submission:

Labcorp Genetics (formerly Invitae), Labcorp
Classification: Uncertain significance. Last evaluated: 2022-07-02. Review status: criteria provided, single submitter. Criteria: Invitae Variant Classification Sherloc (09022015). Collection method: clinical testing. Allele origin: germline.
Comment: In summary, the available evidence is currently insufficient to determine the role of this variant in disease. Therefore, it has been classified as a Variant of Uncertain Significance. Algorithms developed to predict the effect of missense changes on protein structure and function are either unavailable or do not agree on the potential impact of this missense change (SIFT: "Deleterious"; PolyPhen-2: "Probably Damaging"; Align-GVGD: "Class C0"). This variant has not been reported in the literature in individuals affected with PMP2-related conditions. This variant is present in population databases (no rsID available, gnomAD 0.006%). This sequence change replaces glycine, which is neutral and non-polar, with arginine, which is basic and polar, at codon 90 of the PMP2 protein (p.Gly90Arg).